The following is an entry in ClinVar:

ClinVar aggregate classification (germline): Pathogenic (1 of 4 stars; one submission).

Conditions:
Glycogen storage disease IXd (GSD9D). Also called: Muscle Phosphorylase Kinase Deficiency; GSD IXd. Identifiers: Orphanet 715, MedGen C1845151, MONDO:0010362, OMIM 300559.

Submission:

Labcorp Genetics (formerly Invitae), Labcorp
Classification: Pathogenic for Glycogen storage disease IXd. Last evaluated: 2023-07-16. Review status: criteria provided, single submitter. Criteria: Invitae Variant Classification Sherloc (09022015). Collection method: clinical testing. Allele origin: germline.
Comment: This sequence change creates a premature translational stop signal (p.Gln895*) in the PHKA1 gene. It is expected to result in an absent or disrupted protein product. Loss-of-function variants in PHKA1 are known to be pathogenic (PMID: 9731190, 15637709). This variant is not present in population databases (gnomAD no frequency). For these reasons, this variant has been classified as Pathogenic. This variant has not been reported in the literature in individuals affected with PHKA1-related conditions.

Literature cited by the submitters: PubMed 9731190; PubMed 15637709.

NM_002637.4(PHKA1):c.2683C>T (p.Gln895Ter)

Gene: PHKA1 (phosphorylase kinase regulatory subunit alpha 1; minus strand). Cytogenetic location: Xq13.1.
Variant type: single nucleotide variant.
Coding change: c.2683C>T on transcript NM_002637.4 (MANE Select); coding-DNA position 2683, C replaced by T.
Protein change: p.Gln895Ter; replaces glutamine 895 with a stop codon.
Molecular consequence: nonsense.
Genome position (GRCh38, 1-based): chrX:72,605,543, G>A on the plus strand (C>T on the coding strand, the complement: PHKA1 is on the minus strand). VCF-style: chrX-72605543-G-A. GRCh37 (hg19) VCF-style: chrX-71825393-G-A.
Other names: c.2683C>T, p.Gln895Ter (NM_001122670.2); c.2506C>T, p.Gln836Ter (NM_001172436.2); short protein forms Q836*, Q895*.
Identifiers: ClinVar variation 2865051 (VCV002865051.3), dbSNP rs2522421362, ClinGen allele CA413589220.